The following is an entry in ClinVar:

ClinVar aggregate classification (germline): Likely benign (1 of 4 stars; one submission).

gnomAD v4.1: 5 of 1,614,006 alleles (0.00031%); highest among the groups gnomAD compares: East Asian, 0.0022%; no homozygotes.

Submission:

CeGaT Center for Human Genetics Tuebingen
Classification: Likely benign. Last evaluated: 2025-12-01. Review status: criteria provided, single submitter. Criteria: CeGaT Center For Human Genetics Tuebingen Variant Classification Criteria Version 2. Collection method: clinical testing. Allele origin: germline. Affected: yes. Observed: 1 variant allele.
Comment: SCAPER: BP4, BP7

NM_020843.4(SCAPER):c.1521A>G (p.Thr507=)

Gene: SCAPER (S-phase cyclin A associated protein in the ER; minus strand). Cytogenetic location: 15q24.3.
Variant type: single nucleotide variant.
Coding change: c.1521A>G on transcript NM_020843.4 (MANE Select); coding-DNA position 1521, A replaced by G.
Protein change: p.Thr507=; no amino-acid change (threonine 507 retained).
Molecular consequence: synonymous variant. On other transcripts: non-coding transcript variant (1).
Genome position (GRCh38, 1-based): chr15:76,765,429, T>C on the plus strand (A>G on the coding strand, the complement: SCAPER is on the minus strand). VCF-style: chr15-76765429-T-C. GRCh37 (hg19) VCF-style: chr15-77057770-T-C.
Other names: c.1137A>G, p.Thr379= (NM_001353011.2); c.1119A>G, p.Thr373= (NM_001353012.2, NM_001353010.2); c.1539A>G, p.Thr513= (NM_001353009.2); c.783A>G, p.Thr261= (NM_001145923.2).
Identifiers: ClinVar variation 4681586 (VCV004681586.5).